The following is an entry in ClinVar:

ClinVar aggregate classification (germline): Pathogenic (1 of 4 stars; one submission).

Submission:

Labcorp Genetics (formerly Invitae), Labcorp
Classification: Pathogenic. Last evaluated: 2025-10-20. Review status: criteria provided, single submitter. Criteria: Invitae Variant Classification Sherloc (09022015). Collection method: clinical testing. Allele origin: germline.
Comment: This sequence change creates a premature translational stop signal (p.Tyr142Leufs*17) in the PHYH gene. It is expected to result in an absent or disrupted protein product. Loss-of-function variants in PHYH are known to be pathogenic (PMID: 9326940, 14974078). This variant is not present in population databases (gnomAD no frequency). This variant has not been reported in the literature in individuals affected with PHYH-related conditions. For these reasons, this variant has been classified as Pathogenic.

Literature cited by the submitters: PubMed 9326940; PubMed 14974078.

NM_006214.4(PHYH):c.425del (p.Tyr142fs)

Gene: PHYH (phytanoyl-CoA 2-hydroxylase; minus strand). Cytogenetic location: 10p13.
Variant type: Deletion.
Coding change: c.425del on transcript NM_006214.4 (MANE Select); coding-DNA position 425, one base deleted (A; older notation c.425delA).
Protein change: p.Tyr142fs; shifts the reading frame from tyrosine 142.
Molecular consequence: frameshift variant. On other transcripts: intron variant (1).
Genome position (GRCh38, 1-based): chr10:13,291,902, T deleted on the plus strand (A on the coding strand, the reverse complement: PHYH is on the minus strand). VCF-style (leftmost placement, unchanged base first): chr10-13291901-AT-A. GRCh37 (hg19) VCF-style: chr10-13333901-AT-A.
Other names: c.125del, p.Tyr42fs (NM_001037537.2, NM_001323080.2, NM_001323084.2); c.425del, p.Tyr142fs (NM_001323082.2); c.414+2526del (NM_001323083.2); short protein forms Y142fs, Y42fs.
Identifiers: ClinVar variation 4804693 (VCV004804693.1).